The following is an entry in ClinVar:

ClinVar aggregate classification (germline): Uncertain significance (1 of 4 stars; one submission).

Conditions:
Immunodeficiency 39 (IMD39). Identifiers: Orphanet 574918, MedGen C4225358, MONDO:0014597, OMIM 616345.

gnomAD v4.1: 3 of 1,587,244 alleles (0.00019%); highest among the groups gnomAD compares: Non-Finnish European, 0.00026%; no homozygotes.

Submission:

Labcorp Genetics (formerly Invitae), Labcorp
Classification: Uncertain significance for Immunodeficiency 39. Last evaluated: 2025-10-08. Review status: criteria provided, single submitter. Criteria: Invitae Variant Classification Sherloc (09022015). Collection method: clinical testing. Allele origin: germline.
Comment: This sequence change replaces proline, which is neutral and non-polar, with leucine, which is neutral and non-polar, at codon 282 of the IRF7 protein (p.Pro282Leu). The frequency data for this variant in the population databases is considered unreliable, as metrics indicate poor data quality at this position in the gnomAD database. This variant has not been reported in the literature in individuals affected with IRF7-related conditions. Invitae Evidence Modeling of protein sequence and biophysical properties (such as structural, functional, and spatial information, amino acid conservation, physicochemical variation, residue mobility, and thermodynamic stability) indicates that this missense variant is not expected to disrupt IRF7 protein function with a negative predictive value of 80%. In summary, the available evidence is currently insufficient to determine the role of this variant in disease. Therefore, it has been classified as a Variant of Uncertain Significance.

NM_001572.5(IRF7):c.806C>T (p.Pro269Leu)

Gene: IRF7 (interferon regulatory factor 7; minus strand). Cytogenetic location: 11p15.5.
Variant type: single nucleotide variant.
Coding change: c.806C>T on transcript NM_001572.5 (MANE Select); coding-DNA position 806, C replaced by T.
Protein change: p.Pro269Leu; replaces proline 269 with leucine.
Molecular consequence: missense variant.
Genome position (GRCh38, 1-based): chr11:613,826, G>A on the plus strand (C>T on the coding strand, the complement: IRF7 is on the minus strand). VCF-style: chr11-613826-G-A. GRCh37 (hg19) VCF-style: chr11-613826-G-A.
Other names: c.842C>T, p.Pro281Leu (NM_001440440.1); c.803C>T, p.Pro268Leu (NM_001440442.1); c.758C>T, p.Pro253Leu (NM_001440444.1); c.716C>T, p.Pro239Leu (NM_001440445.1); c.434C>T, p.Pro145Leu (NM_001440446.1); c.719C>T, p.Pro240Leu (NM_004029.4); c.845C>T, p.Pro282Leu (NM_004031.4); short protein forms P145L, P239L, P240L, P253L, P269L, P282L, P268L, P281L.
Identifiers: ClinVar variation 4739989 (VCV004739989.1).